The following is an entry in ClinVar:

ClinVar aggregate classification (germline): Uncertain significance (1 of 4 stars; one submission).

Conditions:
Holocarboxylase synthetase deficiency. Also called: MULTIPLE CARBOXYLASE DEFICIENCY, EARLY ONSET. Identifiers: Orphanet 79242, MedGen C0268581, MONDO:0009666, OMIM 253270.

Submission:

Labcorp Genetics (formerly Invitae), Labcorp
Classification: Uncertain significance for Holocarboxylase synthetase deficiency. Last evaluated: 2025-10-04. Review status: criteria provided, single submitter. Criteria: Invitae Variant Classification Sherloc (09022015). Collection method: clinical testing. Allele origin: germline.
Comment: This sequence change replaces methionine, which is neutral and non-polar, with threonine, which is neutral and polar, at codon 578 of the HLCS protein (p.Met578Thr). This variant is not present in population databases (gnomAD no frequency). This variant has not been reported in the literature in individuals affected with HLCS-related conditions. Invitae Evidence Modeling of protein sequence and biophysical properties (such as structural, functional, and spatial information, amino acid conservation, physicochemical variation, residue mobility, and thermodynamic stability) has been performed for this missense variant. However, the output from this modeling did not meet the statistical confidence thresholds required to predict the impact of this variant on HLCS protein function. In summary, the available evidence is currently insufficient to determine the role of this variant in disease. Therefore, it has been classified as a Variant of Uncertain Significance.

NM_001352514.2(HLCS):c.2174T>C (p.Met725Thr)

Gene: HLCS (holocarboxylase synthetase; minus strand). Cytogenetic location: 21q22.13.
Variant type: single nucleotide variant.
Coding change: c.2174T>C on transcript NM_001352514.2 (MANE Select); coding-DNA position 2174, T replaced by C.
Protein change: p.Met725Thr; replaces methionine 725 with threonine.
Molecular consequence: missense variant. On other transcripts: non-coding transcript variant (2).
Genome position (GRCh38, 1-based): chr21:36,759,789, A>G on the plus strand (T>C on the coding strand, the complement: HLCS is on the minus strand). VCF-style: chr21-36759789-A-G. GRCh37 (hg19) VCF-style: chr21-38132090-A-G.
Other names: c.1733T>C, p.Met578Thr (NM_000411.8, NM_001242784.3, NM_001242785.2 and 4 more transcripts); short protein forms M578T, M725T.
Identifiers: ClinVar variation 4700256 (VCV004700256.1).